The following is an entry in ClinVar:

ClinVar aggregate classification (germline): Uncertain significance (1 of 4 stars; one submission).

Submission:

GeneDx
Classification: Uncertain significance. Last evaluated: 2024-07-09. Review status: criteria provided, single submitter. Criteria: GeneDx Variant Classification Process June 2021. Collection method: clinical testing. Allele origin: germline. Affected: yes.
Comment: Not observed at significant frequency in large population cohorts (gnomAD); In silico analysis supports that this missense variant has a deleterious effect on protein structure/function; Has not been previously published as pathogenic or benign to our knowledge

NM_002471.4(MYH6):c.658C>A (p.Gln220Lys)

Gene: MYH6 (myosin heavy chain 6; minus strand). Cytogenetic location: 14q11.2.
Variant type: single nucleotide variant.
Coding change: c.658C>A on transcript NM_002471.4 (MANE Select); coding-DNA position 658, C replaced by A.
Protein change: p.Gln220Lys; replaces glutamine 220 with lysine.
Molecular consequence: missense variant.
Genome position (GRCh38, 1-based): chr14:23,404,373, G>T on the plus strand (C>A on the coding strand, the complement: MYH6 is on the minus strand). VCF-style: chr14-23404373-G-T. GRCh37 (hg19) VCF-style: chr14-23873582-G-T.
Other names: short protein forms Q220K.
Identifiers: ClinVar variation 3572732 (VCV003572732.1).